The following is an entry in ClinVar:

NM_003638.3(ITGA8):c.961T>C (p.Phe321Leu)

Gene: ITGA8 (integrin subunit alpha 8; minus strand). Cytogenetic location: 10p13.
Variant type: single nucleotide variant.
Coding change: c.961T>C on transcript NM_003638.3 (MANE Select); coding-DNA position 961, T replaced by C.
Protein change: p.Phe321Leu; replaces phenylalanine 321 with leucine.
Molecular consequence: missense variant.
Genome position (GRCh38, 1-based): chr10:15,655,394, A>G on the plus strand (T>C on the coding strand, the complement: ITGA8 is on the minus strand). VCF-style: chr10-15655394-A-G. GRCh37 (hg19) VCF-style: chr10-15697393-A-G.
Other names: c.916T>C, p.Phe306Leu (NM_001291494.2); short protein forms F306L, F321L.
Identifiers: ClinVar variation 3861575 (VCV003861575.2).

ClinVar aggregate classification (germline): Uncertain significance (1 of 4 stars; one submission).

Conditions:
Inborn genetic diseases. Identifiers: MedGen C0950123, MeSH D030342.

gnomAD v4.1: 5 of 1,611,192 alleles (0.00031%); highest among the groups gnomAD compares: Admixed American, 0.0083%; no homozygotes.

Submission:

Ambry Genetics
Classification: Uncertain significance for Inborn genetic diseases. Last evaluated: 2025-05-28. Review status: criteria provided, single submitter. Criteria: Ambry Variant Classification Scheme 2023. Collection method: clinical testing. Allele origin: germline.
Comment: The c.961T>C (p.F321L) alteration is located in exon 11 (coding exon 11) of the ITGA8 gene. This alteration results from a T to C substitution at nucleotide position 961, causing the phenylalanine (F) at amino acid position 321 to be replaced by a leucine (L). This variant was not reported in population-based cohorts in the Genome Aggregation Database (gnomAD). This amino acid position is highly conserved in available vertebrate species. This alteration is predicted to be deleterious by in silico analysis. Based on insufficient or conflicting evidence, the clinical significance of this alteration remains unclear.